The following is an entry in ClinVar:

ClinVar aggregate classification (germline): Benign/Likely benign. Review status: criteria provided, multiple submitters, no conflicts (2 of 4 stars). 3 submissions from 3 submitters: Benign (1); Likely benign (2). Last evaluated 2025-10-01.

Conditions:
Megalencephaly-polymicrogyria-postaxial polydactyly-hydrocephalus syndrome. Also called: MEG-PMG-MEGACC SYNDROME; MPPH Syndrome. Identifiers: Orphanet 83473, MedGen C1863924, MONDO:0019375.
PIK3R2-related disorder. Also called: PIK3R2-related condition.

Allele frequency attached by ClinVar (database versions not stated): gnomAD 0.00003 and 0.00005; TOPMed 0.00004; gnomAD exomes 0.00012 and 0.00018; ExAC 0.00017; 1000 Genomes Project 30x 0.00031; 1000 Genomes Project 0.00040.
gnomAD v4.1: 188 of 1,611,194 alleles (0.012%); highest among the groups gnomAD compares: South Asian, 0.11%; no homozygotes.

Submissions (3):

CeGaT Center for Human Genetics Tuebingen
Classification: Likely benign. Last evaluated: 2025-10-01. Review status: criteria provided, single submitter. Criteria: CeGaT Center For Human Genetics Tuebingen Variant Classification Criteria Version 2. Collection method: clinical testing. Allele origin: germline. Affected: yes. Observed: 2 variant alleles.
Comment: PIK3R2: BP4, BP7

PreventionGenetics, part of Exact Sciences
Classification: Likely benign for PIK3R2-related condition. Last evaluated: 2025-01-15. Review status: criteria provided, single submitter. Criteria: ACMG Guidelines, 2015. Collection method: clinical testing. Allele origin: germline.
Comment: This variant is classified as likely benign based on ACMG/AMP sequence variant interpretation guidelines (Richards et al. 2015 PMID: 25741868, with internal and published modifications).

Labcorp Genetics (formerly Invitae), Labcorp
Classification: Benign for Megalencephaly-polymicrogyria-postaxial polydactyly-hydrocephalus syndrome. Last evaluated: 2024-09-23. Review status: criteria provided, single submitter. Criteria: Invitae Variant Classification Sherloc (09022015). Collection method: clinical testing. Allele origin: germline.

NM_005027.4(PIK3R2):c.1620G>A (p.Thr540=)

Gene: PIK3R2 (phosphoinositide-3-kinase regulatory subunit 2; plus strand). Cytogenetic location: 19p13.11.
Variant type: single nucleotide variant.
Coding change: c.1620G>A on transcript NM_005027.4 (MANE Select); coding-DNA position 1620, G replaced by A.
Protein change: p.Thr540=; no amino-acid change (threonine 540 retained).
Molecular consequence: synonymous variant. On other transcripts: non-coding transcript variant (2).
Genome position (GRCh38, 1-based): chr19:18,167,190, G>A. VCF-style: chr19-18167190-G-A. GRCh37 (hg19) VCF-style: chr19-18278000-G-A.
Other names: c.1620G>A (NM_005027.3).
Identifiers: ClinVar variation 1169610 (VCV001169610.33), dbSNP rs546014325, ClinGen allele CA9307085.